The following is an entry in ClinVar:

NM_017841.4(SDHAF2):c.320G>A (p.Arg107His)

Gene: SDHAF2 (succinate dehydrogenase complex assembly factor 2; plus strand). Cytogenetic location: 11q12.2.
Variant type: single nucleotide variant.
Coding change: c.320G>A on transcript NM_017841.4 (MANE Select); coding-DNA position 320, G replaced by A.
Protein change: p.Arg107His; replaces arginine 107 with histidine.
Molecular consequence: missense variant.
Genome position (GRCh38, 1-based): chr11:61,438,063, G>A. VCF-style: chr11-61438063-G-A. GRCh37 (hg19) VCF-style: chr11-61205535-G-A.
Other names: short protein forms R107H.
Identifiers: ClinVar variation 463824 (VCV000463824.26), dbSNP rs535627239, ClinGen allele CA058449.

ClinVar aggregate classification (germline): Conflicting classifications of pathogenicity. Review status: criteria provided, conflicting classifications (1 of 4 stars). 9 submissions from 9 submitters: Likely pathogenic (1); Uncertain significance (1); Benign (2); Likely benign (5). Last evaluated 2026-02-25.

Conditions:
SDHAF2-related disorder. Also called: SDHAF2-related condition.
Hereditary cancer-predisposing syndrome. Also called: Hereditary neoplastic syndrome; Neoplastic Syndromes, Hereditary; Hereditary Cancer Syndrome; Tumor predisposition. Identifiers: Orphanet 140162, MedGen C0027672, MeSH D009386, MONDO:0015356.
Hereditary pheochromocytoma and paraganglioma. Also called: Hereditary Paraganglioma-Pheochromocytoma Syndromes; Hereditary paragangliomas and pheochromocytomas; Hereditary pheochromocytoma-paraganglioma. Identifiers: Orphanet 29072, MedGen C4274332, MONDO:0017366.
Pheochromocytoma/paraganglioma syndrome 2. Also called: SDHAF2-Related Hereditary Paraganglioma-Pheochromocytoma Syndrome; GLOMUS TUMORS, FAMILIAL, 2; SDHAF2-Related Hereditary Paraganglioma-Pheochromocytoma Syndrome (Paragangliomas 2); Paragangliomas 2. Identifiers: Orphanet 29072, MedGen C1866552, MONDO:0011121, OMIM 601650.
Ovarian cancer. Also called: OVARIAN CANCER, SOMATIC. Identifiers: Orphanet 213500, MedGen C1140680, MONDO:0008170, OMIM 167000.

Allele frequency attached by ClinVar (database versions not stated): gnomAD 0.00004 and 0.00005; TOPMed 0.00009; 1000 Genomes Project 30x 0.00016; ExAC 0.00016; 1000 Genomes Project 0.00020; gnomAD exomes 0.00020.
gnomAD v4.1: 90 of 1,614,006 alleles (0.0056%); highest among the groups gnomAD compares: East Asian, 0.11%; no homozygotes.

Submissions (9):

PreventionGenetics, part of Exact Sciences
Classification: Likely benign for SDHAF2-related condition. Last evaluated: 2026-02-25. Review status: criteria provided, single submitter. Criteria: ACMG Guidelines, 2015. Collection method: clinical testing. Allele origin: germline.
Comment: This variant is classified as likely benign based on ACMG/AMP sequence variant interpretation guidelines (Richards et al. 2015 PMID: 25741868, with internal and published modifications).

Labcorp Genetics (formerly Invitae), Labcorp
Classification: Likely benign for Hereditary pheochromocytoma and paraganglioma. Last evaluated: 2026-01-28. Review status: criteria provided, single submitter. Criteria: Invitae Variant Classification Sherloc (09022015). Collection method: clinical testing. Allele origin: germline.

CeGaT Center for Human Genetics Tuebingen
Classification: Likely benign. Last evaluated: 2026-01-01. Review status: criteria provided, single submitter. Criteria: CeGaT Center For Human Genetics Tuebingen Variant Classification Criteria Version 2. Collection method: clinical testing. Allele origin: germline. Affected: yes. Observed: 1 variant allele.
Comment: SDHAF2: BS1

Quest Diagnostics Nichols Institute San Juan Capistrano
Classification: Benign. Last evaluated: 2025-10-09. Review status: criteria provided, single submitter. Criteria: Quest Diagnostics criteria. Collection method: clinical testing. Allele origin: unknown.

Baylor Genetics
Classification: Uncertain significance for Pheochromocytoma/paraganglioma syndrome 2. Last evaluated: 2023-08-07. Review status: criteria provided, single submitter. Criteria: ACMG Guidelines, 2015. Collection method: clinical testing. Allele origin: unknown.

Ambry Genetics
Classification: Likely benign for Hereditary cancer-predisposing syndrome. Last evaluated: 2023-08-04. Review status: criteria provided, single submitter. Criteria: Ambry Variant Classification Scheme 2023. Collection method: clinical testing. Allele origin: germline.

Color Diagnostics, LLC DBA Color Health
Classification: Benign for Hereditary pheochromocytoma and paraganglioma. Last evaluated: 2022-12-11. Review status: criteria provided, single submitter. Criteria: ACMG Guidelines, 2015. Collection method: clinical testing. Allele origin: germline.

Laboratory of Molecular Epidemiology of Birth Defects, West China Second University Hospital, Sichuan University
Classification: Likely pathogenic for Ovarian cancer. Last evaluated: 2022-01-01. Review status: criteria provided, single submitter. Criteria: ACMG Guidelines, 2015. Collection method: clinical testing. Allele origin: germline. Affected: yes.

Sema4
Classification: Likely benign for Hereditary cancer-predisposing syndrome. Last evaluated: 2021-09-25. Review status: criteria provided, single submitter. Criteria: Sema4 Curation Guidelines. Collection method: curation. Allele origin: germline.

Literature cited by the submitters: PubMed 30050099 (cited by Quest Diagnostics Nichols Institute San Juan Capistrano and Sema4); PubMed 38874686 (cited by Quest Diagnostics Nichols Institute San Juan Capistrano); PubMed 38509102 (cited by Quest Diagnostics Nichols Institute San Juan Capistrano); PubMed 26016412 (cited by Sema4).